The following is an entry in ClinVar:

ClinVar aggregate classification (germline): Uncertain significance (1 of 4 stars; one submission).

gnomAD v4.1: 1 of 1,613,698 alleles (0.000062%); highest among the groups gnomAD compares: Non-Finnish European, 0.000085%; no homozygotes.

Submission:

GeneDx
Classification: Uncertain significance. Last evaluated: 2024-08-06. Review status: criteria provided, single submitter. Criteria: GeneDx Variant Classification Process June 2021. Collection method: clinical testing. Allele origin: germline. Affected: yes.
Comment: Not observed at significant frequency in large population cohorts (gnomAD); In silico analysis indicates that this missense variant does not alter protein structure/function; Has not been previously published as pathogenic or benign to our knowledge

NM_003922.4(HERC1):c.13139A>G (p.Asp4380Gly)

Gene: HERC1 (HECT and RLD domain containing E3 ubiquitin protein ligase family member 1; minus strand). Cytogenetic location: 15q22.31.
Variant type: single nucleotide variant.
Coding change: c.13139A>G on transcript NM_003922.4 (MANE Select); coding-DNA position 13139, A replaced by G.
Protein change: p.Asp4380Gly; replaces aspartic acid 4380 with glycine.
Molecular consequence: missense variant.
Genome position (GRCh38, 1-based): chr15:63,626,121, T>C on the plus strand (A>G on the coding strand, the complement: HERC1 is on the minus strand). VCF-style: chr15-63626121-T-C. GRCh37 (hg19) VCF-style: chr15-63918320-T-C.
Other names: short protein forms D4380G.
Identifiers: ClinVar variation 3603213 (VCV003603213.1).